The following is an entry in ClinVar:

NM_130466.4(UBE3B):c.143G>A (p.Arg48Gln)

Gene: UBE3B (ubiquitin protein ligase E3B; plus strand). Cytogenetic location: 12q24.11.
Variant type: single nucleotide variant.
Coding change: c.143G>A on transcript NM_130466.4 (MANE Select); coding-DNA position 143, G replaced by A.
Protein change: p.Arg48Gln; replaces arginine 48 with glutamine.
Molecular consequence: missense variant.
Genome position (GRCh38, 1-based): chr12:109,483,694, G>A. VCF-style: chr12-109483694-G-A. GRCh37 (hg19) VCF-style: chr12-109921499-G-A.
Other names: c.143G>A, p.Arg48Gln (NM_001270449.2, NM_001270450.2, NM_001270451.2 and 1 more transcripts); c.143G>A (NM_130466.2); short protein forms R48Q.
Identifiers: ClinVar variation 1350362 (VCV001350362.4), dbSNP rs768162705, ClinGen allele CA6777390.
Genomic context (GRCh38, chr12:109,483,694, plus strand): 5'-AACGGGAGCGGGCAGCTGTTGTGATCCAGGCCCATGTCCGGAGTTTTCTCTGTCGGAGTC[G>A]ACTGCAGAGAGATATCAGGTAAGGGCTAGGATCTCCCTAGCACATGATTCTCTGGCTCCC-3'
Protein context (NP_569733.2, residues 38-58): AHVRSFLCRS[Arg48Gln]LQRDIRREID

ClinVar aggregate classification (germline): Uncertain significance. Review status: criteria provided, multiple submitters, no conflicts (2 of 4 stars). 2 submissions from 2 submitters: Uncertain significance (2). Last evaluated 2025-08-03.

Conditions:
Inborn genetic diseases. Identifiers: MedGen C0950123, MeSH D030342.

Allele frequency attached by ClinVar (database versions not stated): gnomAD 0.00003 and 0.00004; gnomAD exomes 0.00003; ExAC 0.00006; TOPMed 0.00006.
gnomAD v4.1: 40 of 1,606,512 alleles (0.0025%); highest among the groups gnomAD compares: South Asian, 0.031%; no homozygotes.

Submissions (2):

Ambry Genetics
Classification: Uncertain significance for Inborn genetic diseases. Last evaluated: 2025-08-03. Review status: criteria provided, single submitter. Criteria: Ambry Variant Classification Scheme 2023. Collection method: clinical testing. Allele origin: germline.

Labcorp Genetics (formerly Invitae), Labcorp
Classification: Uncertain significance. Last evaluated: 2022-07-12. Review status: criteria provided, single submitter. Criteria: Invitae Variant Classification Sherloc (09022015). Collection method: clinical testing. Allele origin: germline.
Comment: This sequence change replaces arginine, which is basic and polar, with glutamine, which is neutral and polar, at codon 48 of the UBE3B protein (p.Arg48Gln). This variant is present in population databases (rs768162705, gnomAD 0.03%). This variant has not been reported in the literature in individuals affected with UBE3B-related conditions. ClinVar contains an entry for this variant (Variation ID: 1350362). Algorithms developed to predict the effect of missense changes on protein structure and function output the following: SIFT: "Tolerated"; PolyPhen-2: "Benign"; Align-GVGD: "Class C0". The glutamine amino acid residue is found in multiple mammalian species, which suggests that this missense change does not adversely affect protein function. In summary, the available evidence is currently insufficient to determine the role of this variant in disease. Therefore, it has been classified as a Variant of Uncertain Significance.